The following is an entry in ClinVar:

NM_001365951.3(KIF1B):c.2162G>C (p.Arg721Pro)

Gene: KIF1B (kinesin family member 1B; plus strand). Cytogenetic location: 1p36.22.
Variant type: single nucleotide variant.
Coding change: c.2162G>C on transcript NM_001365951.3 (MANE Select); coding-DNA position 2162, G replaced by C.
Protein change: p.Arg721Pro; replaces arginine 721 with proline.
Molecular consequence: missense variant.
Genome position (GRCh38, 1-based): chr1:10,320,089, G>C. VCF-style: chr1-10320089-G-C. GRCh37 (hg19) VCF-style: chr1-10380147-G-C.
Other names: c.2162G>C, p.Arg721Pro (NM_001365952.1); c.2024G>C, p.Arg675Pro (NM_015074.3); short protein forms R721P, R675P.
Identifiers: ClinVar variation 4841887 (VCV004841887.1).

ClinVar aggregate classification (germline): Uncertain significance (1 of 4 stars; one submission).

Submission:

Ambry Genetics
Classification: Uncertain significance. Last evaluated: 2026-01-06. Review status: criteria provided, single submitter. Criteria: Ambry Variant Classification Scheme 2023. Collection method: clinical testing. Allele origin: germline.
Comment: The p.R675P variant (also known as c.2024G>C), located in coding exon 20 of the KIF1B gene, results from a G to C substitution at nucleotide position 2024. The arginine at codon 675 is replaced by proline, an amino acid with dissimilar properties. This amino acid position is conserved. In addition, the in silico prediction for this alteration is inconclusive. Based on the available evidence, the clinical significance of this variant remains unclear.